The following is an entry in ClinVar:

NM_198239.2(CCN6):c.2T>A (p.Met1Lys)

Gene: CCN6 (cellular communication network factor 6; plus strand). Cytogenetic location: 6q21.
Variant type: single nucleotide variant.
Coding change: c.2T>A on transcript NM_198239.2 (MANE Select); coding-DNA position 2, T replaced by A.
Protein change: p.Met1Lys; changes the start codon (methionine 1).
Molecular consequence: missense variant, initiator codon variant. On other transcripts: non-coding transcript variant (2).
Genome position (GRCh38, 1-based): chr6:112,054,359, T>A. VCF-style: chr6-112054359-T-A. GRCh37 (hg19) VCF-style: chr6-112375562-T-A.
Other names: c.2T>A, p.Met1Lys (NM_003880.4); short protein forms M1K.
Identifiers: ClinVar variation 2793088 (VCV002793088.3), dbSNP rs1776281475, ClinGen allele CA365364898.

ClinVar aggregate classification (germline): Pathogenic (1 of 4 stars; one submission).

Submission:

Labcorp Genetics (formerly Invitae), Labcorp
Classification: Pathogenic. Last evaluated: 2024-01-04. Review status: criteria provided, single submitter. Criteria: Invitae Variant Classification Sherloc (09022015). Collection method: clinical testing. Allele origin: germline.
Comment: This sequence change affects the initiator methionine of the WISP3 mRNA. The next in-frame methionine is located at codon 195. This variant is not present in population databases (gnomAD no frequency). This variant has not been reported in the literature in individuals affected with WISP3-related conditions. This variant disrupts a region of the WISP3 protein in which other variant(s) (p.Cys114Trp) have been determined to be pathogenic (PMID: 21993478, 22685593, 25553839, 25738435, 28018607). This suggests that this is a clinically significant region of the protein, and that variants that disrupt it are likely to be disease-causing. For these reasons, this variant has been classified as Pathogenic.

Literature cited by the submitters: PubMed 21993478; PubMed 22685593; PubMed 25553839; PubMed 25738435; PubMed 28018607.